The following is an entry in ClinVar:

NM_000548.5(TSC2):c.630G>A (p.Ala210=)

Gene: TSC2 (TSC complex subunit 2; plus strand). Cytogenetic location: 16p13.3.
Variant type: single nucleotide variant.
Coding change: c.630G>A on transcript NM_000548.5 (MANE Select); coding-DNA position 630, G replaced by A.
Protein change: p.Ala210=; no amino-acid change (alanine 210 retained).
Molecular consequence: synonymous variant.
Genome position (GRCh38, 1-based): chr16:2,056,226, G>A. VCF-style: chr16-2056226-G-A. GRCh37 (hg19) VCF-style: chr16-2106227-G-A.
Other names: c.630G>A, p.Ala210= (NM_001077183.3, NM_001114382.3, NM_001363528.2 and 3 more transcripts); c.519G>A, p.Ala173= (NM_001318827.2); c.483G>A, p.Ala161= (NM_001318829.2); c.30G>A, p.Ala10= (NM_001318831.2); c.663G>A, p.Ala221= (NM_001318832.2).
Identifiers: ClinVar variation 238089 (VCV000238089.50), dbSNP rs567756494, ClinGen allele CA055849.

ClinVar aggregate classification (germline): Benign/Likely benign. Review status: criteria provided, multiple submitters, no conflicts (2 of 4 stars). 11 submissions from 11 submitters: Benign (6); Likely benign (5). Last evaluated 2026-01-27.

Conditions:
Hereditary cancer-predisposing syndrome. Also called: Tumor predisposition; Hereditary Cancer Syndrome; Neoplastic Syndromes, Hereditary; Hereditary neoplastic syndrome. Identifiers: Orphanet 140162, MedGen C0027672, MeSH D009386, MONDO:0015356.
Tuberous sclerosis 2 (TSC2). Identifiers: Orphanet 805, MedGen C1860707, MONDO:0013199, OMIM 613254.
Tuberous sclerosis syndrome (TSC). Also called: Tuberous Sclerosis Complex; Tuberous sclerosis. Identifiers: Orphanet 805, MedGen C0041341, MONDO:0001734.

Allele frequency attached by ClinVar (database versions not stated): gnomAD 0.00007; 1000 Genomes Project 30x 0.00016; TOPMed 0.00016; 1000 Genomes Project 0.00020; ExAC 0.00026; gnomAD exomes 0.00028.
gnomAD v4.1: 145 of 1,614,014 alleles (0.009%); highest among the groups gnomAD compares: East Asian, 0.26%; 1 homozygote.

Submissions (11):

Labcorp Genetics (formerly Invitae), Labcorp
Classification: Benign for Tuberous sclerosis 2. Last evaluated: 2026-01-27. Review status: criteria provided, single submitter. Criteria: Invitae Variant Classification Sherloc (09022015). Collection method: clinical testing. Allele origin: germline.

Myriad Genetics, Inc.
Classification: Benign for Tuberous sclerosis 2. Last evaluated: 2025-05-08. Review status: criteria provided, single submitter. Criteria: Myriad Autosomal Dominant, Autosomal Recessive and X-Linked Classification Criteria (2023). Collection method: clinical testing. Allele origin: unknown.
Comment: This variant is considered benign. This variant is a silent/synonymous amino acid change and it is not expected to impact splicing.

Blueprint Genetics
Classification: Likely benign. Last evaluated: 2024-10-24. Review status: criteria provided, single submitter. Criteria: ACMG Guidelines, 2015. Collection method: clinical testing. Allele origin: germline.

Department of Pathology and Laboratory Medicine, Sinai Health System
Classification: Likely benign for Tuberous sclerosis 2. Last evaluated: 2024-05-23. Review status: criteria provided, single submitter. Criteria: ACMG Guidelines, 2015. Collection method: clinical testing. Allele origin: germline. Affected: yes.

All of Us Research Program, National Institutes of Health
Classification: Benign for Tuberous sclerosis syndrome. Last evaluated: 2024-02-05. Review status: criteria provided, single submitter. Criteria: ACMG Guidelines, 2015. Collection method: clinical testing. Allele origin: germline. Inheritance: Autosomal dominant inheritance. Observed: 15 variant alleles, 15 heterozygotes.
Comment: This study involves interpretation of variants in research participants for the purpose of population health screening. Participant phenotype was not available at the time of variant classification. Additional details can be found in publication PMID: 35346344, PMCID: PMC8962531

CeGaT Center for Human Genetics Tuebingen
Classification: Likely benign. Last evaluated: 2023-04-01. Review status: criteria provided, single submitter. Criteria: CeGaT Center For Human Genetics Tuebingen Variant Classification Criteria Version 2. Collection method: clinical testing. Allele origin: germline. Affected: yes. Observed: 1 variant allele.
Comment: TSC2: BP4, BP7, BS1

Color Diagnostics, LLC DBA Color Health
Classification: Benign for Tuberous sclerosis syndrome. Last evaluated: 2022-09-13. Review status: criteria provided, single submitter. Criteria: ACMG Guidelines, 2015. Collection method: clinical testing. Allele origin: germline.

Genome-Nilou Lab
Classification: Benign for Tuberous sclerosis 2. Last evaluated: 2021-11-07. Review status: criteria provided, single submitter. Criteria: ACMG Guidelines, 2015. Collection method: clinical testing. Allele origin: germline. Affected: no.

Sema4
Classification: Benign for Hereditary cancer-predisposing syndrome. Last evaluated: 2021-07-19. Review status: criteria provided, single submitter. Criteria: Sema4 Curation Guidelines. Collection method: curation. Allele origin: germline.

GeneDx
Classification: Likely benign. Last evaluated: 2019-03-20. Review status: criteria provided, single submitter. Criteria: GeneDx Variant Classification Process June 2021. Collection method: clinical testing. Allele origin: germline. Affected: yes.

Ambry Genetics
Classification: Likely benign for Hereditary cancer-predisposing syndrome. Last evaluated: 2016-04-22. Review status: criteria provided, single submitter. Criteria: Ambry Variant Classification Scheme 2023. Collection method: clinical testing. Allele origin: germline.